The following is an entry in ClinVar:

NM_020751.3(COG6):c.315C>T (p.Ser105=)

Gene: COG6 (component of oligomeric golgi complex 6; plus strand). Cytogenetic location: 13q14.11.
Variant type: single nucleotide variant.
Coding change: c.315C>T on transcript NM_020751.3 (MANE Select); coding-DNA position 315, C replaced by T.
Protein change: p.Ser105=; no amino-acid change (serine 105 retained).
Molecular consequence: synonymous variant. On other transcripts: non-coding transcript variant (1).
Genome position (GRCh38, 1-based): chr13:39,660,827, C>T. VCF-style: chr13-39660827-C-T. GRCh37 (hg19) VCF-style: chr13-40234964-C-T.
Other names: c.315C>T, p.Ser105= (NM_001145079.2).
Identifiers: ClinVar variation 507933 (VCV000507933.1), dbSNP rs767854952, ClinGen allele CA6958273.

ClinVar aggregate classification (germline): Likely benign (1 of 4 stars; one submission).

Allele frequency attached by ClinVar (database versions not stated): TOPMed 0.00001 and below 0.00001; gnomAD exomes 0.00001; ExAC 0.00001.
gnomAD v4.1: 9 of 1,608,126 alleles (0.00056%); highest among the groups gnomAD compares: East Asian, 0.0045%; no homozygotes.

Submission:

GeneDx
Classification: Likely benign. Last evaluated: 2017-03-22. Review status: criteria provided, single submitter. Criteria: GeneDx Variant Classification (06012015). Collection method: clinical testing. Allele origin: germline. Affected: yes.
Comment: This variant is considered likely benign or benign based on one or more of the following criteria: it is a conservative change, it occurs at a poorly conserved position in the protein, it is predicted to be benign by multiple in silico algorithms, and/or has population frequency not consistent with disease.